The following is an entry in ClinVar:

NM_004448.4(ERBB2):c.688C>T (p.Pro230Ser)

Gene: ERBB2 (erb-b2 receptor tyrosine kinase 2; plus strand). Cytogenetic location: 17q12.
Variant type: single nucleotide variant.
Coding change: c.688C>T on transcript NM_004448.4 (MANE Select); coding-DNA position 688, C replaced by T.
Protein change: p.Pro230Ser; replaces proline 230 with serine.
Molecular consequence: missense variant. On other transcripts: non-coding transcript variant (1), intron variant (2).
Genome position (GRCh38, 1-based): chr17:39,710,130, C>T. VCF-style: chr17-39710130-C-T. GRCh37 (hg19) VCF-style: chr17-37866383-C-T.
Other names: c.598C>T, p.Pro200Ser (NM_001005862.3, NM_001289938.2, NM_001382782.1 and 1 more transcripts); c.643C>T, p.Pro215Ser (NM_001289936.2); c.688C>T, p.Pro230Ser (NM_001289937.2, NM_001382784.1, NM_001382785.1 and 16 more transcripts); c.763C>T, p.Pro255Ser (NM_001382787.1); c.679C>T, p.Pro227Ser (NM_001382791.1); c.508C>T, p.Pro170Ser (NM_001382799.1); c.643+249C>T (NM_001382802.1); c.74-1798C>T (NM_001382804.1); short protein forms P170S, P200S, P215S, P227S, P230S, P255S.
Identifiers: ClinVar variation 1000168 (VCV001000168.8), dbSNP rs776960538, ClinGen allele CA8533711.

ClinVar aggregate classification (germline): Uncertain significance (1 of 4 stars; one submission).

Allele frequency attached by ClinVar (database versions not stated): gnomAD 0.00001; ExAC 0.00002; gnomAD exomes 0.00002; TOPMed 0.00002.

Submission:

Labcorp Genetics (formerly Invitae), Labcorp
Classification: Uncertain significance. Last evaluated: 2022-08-20. Review status: criteria provided, single submitter. Criteria: Invitae Variant Classification Sherloc (09022015). Collection method: clinical testing. Allele origin: germline.
Comment: ClinVar contains an entry for this variant (Variation ID: 1000168). This variant has not been reported in the literature in individuals affected with ERBB2-related conditions. This variant is present in population databases (rs776960538, gnomAD 0.02%). This sequence change replaces proline, which is neutral and non-polar, with serine, which is neutral and polar, at codon 230 of the ERBB2 protein (p.Pro230Ser). In summary, the available evidence is currently insufficient to determine the role of this variant in disease. Therefore, it has been classified as a Variant of Uncertain Significance. Algorithms developed to predict the effect of missense changes on protein structure and function output the following: SIFT: "Tolerated"; PolyPhen-2: "Benign"; Align-GVGD: "Class C0". The serine amino acid residue is found in multiple mammalian species, which suggests that this missense change does not adversely affect protein function.